The following is an entry in ClinVar:

NM_022095.4(ZNF335):c.644C>G (p.Ser215Cys)

Gene: ZNF335 (zinc finger protein 335; minus strand). Cytogenetic location: 20q13.12.
Variant type: single nucleotide variant.
Coding change: c.644C>G on transcript NM_022095.4 (MANE Select); coding-DNA position 644, C replaced by G.
Protein change: p.Ser215Cys; replaces serine 215 with cysteine.
Molecular consequence: missense variant.
Genome position (GRCh38, 1-based): chr20:45,967,904, G>C on the plus strand (C>G on the coding strand, the complement: ZNF335 is on the minus strand). VCF-style: chr20-45967904-G-C. GRCh37 (hg19) VCF-style: chr20-44596543-G-C.
Other names: short protein forms S215C.
Identifiers: ClinVar variation 2880892 (VCV002880892.3), dbSNP rs779589077, ClinGen allele CA9886016.

ClinVar aggregate classification (germline): Uncertain significance (1 of 4 stars; one submission).

Allele frequency attached by ClinVar (database versions not stated): gnomAD 0.00001; gnomAD exomes 0.00002; TOPMed 0.00002.
gnomAD v4.1: 27 of 1,612,478 alleles (0.0017%); highest among the groups gnomAD compares: Non-Finnish European, 0.0022%; no homozygotes.

Submission:

Labcorp Genetics (formerly Invitae), Labcorp
Classification: Uncertain significance. Last evaluated: 2024-12-09. Review status: criteria provided, single submitter. Criteria: Invitae Variant Classification Sherloc (09022015). Collection method: clinical testing. Allele origin: germline.
Comment: This sequence change replaces serine, which is neutral and polar, with cysteine, which is neutral and slightly polar, at codon 215 of the ZNF335 protein (p.Ser215Cys). This variant is present in population databases (rs779589077, gnomAD 0.002%). This variant has not been reported in the literature in individuals affected with ZNF335-related conditions. ClinVar contains an entry for this variant (Variation ID: 2880892). Invitae Evidence Modeling of protein sequence and biophysical properties (such as structural, functional, and spatial information, amino acid conservation, physicochemical variation, residue mobility, and thermodynamic stability) indicates that this missense variant is not expected to disrupt ZNF335 protein function with a negative predictive value of 80%. In summary, the available evidence is currently insufficient to determine the role of this variant in disease. Therefore, it has been classified as a Variant of Uncertain Significance.